The following is an entry in ClinVar:

ClinVar aggregate classification (germline): Uncertain significance (1 of 4 stars; one submission).

Submission:

GeneDx
Classification: Uncertain significance. Last evaluated: 2025-05-20. Review status: criteria provided, single submitter. Criteria: GeneDx Variant Classification Process June 2021. Collection method: clinical testing. Allele origin: germline. Affected: yes.
Comment: Not observed at significant frequency in large population cohorts (gnomAD); In silico analysis suggests that this missense variant does not alter protein structure/function; Has not been previously published as pathogenic or benign to our knowledge

NM_015030.2(FRYL):c.3070C>G (p.Gln1024Glu)

Gene: FRYL (FRY like transcription coactivator; minus strand). Cytogenetic location: 4p11.
Variant type: single nucleotide variant.
Coding change: c.3070C>G on transcript NM_015030.2 (MANE Select); coding-DNA position 3070, C replaced by G.
Protein change: p.Gln1024Glu; replaces glutamine 1024 with glutamic acid.
Molecular consequence: missense variant.
Genome position (GRCh38, 1-based): chr4:48,567,347, G>C on the plus strand (C>G on the coding strand, the complement: FRYL is on the minus strand). VCF-style: chr4-48567347-G-C. GRCh37 (hg19) VCF-style: chr4-48569364-G-C.
Other names: short protein forms Q1024E.
Identifiers: ClinVar variation 4530974 (VCV004530974.1).